The following is an entry in ClinVar:

ClinVar aggregate classification (germline): Uncertain significance (1 of 4 stars; one submission).

gnomAD v4.1: 1 of 1,614,166 alleles (0.000062%); highest among the groups gnomAD compares: Non-Finnish European, 0.000085%; no homozygotes.

Submission:

Labcorp Genetics (formerly Invitae), Labcorp
Classification: Uncertain significance. Last evaluated: 2022-06-12. Review status: criteria provided, single submitter. Criteria: Invitae Variant Classification Sherloc (09022015). Collection method: clinical testing. Allele origin: germline.
Comment: In summary, the available evidence is currently insufficient to determine the role of this variant in disease. Therefore, it has been classified as a Variant of Uncertain Significance. Algorithms developed to predict the effect of missense changes on protein structure and function are either unavailable or do not agree on the potential impact of this missense change (SIFT: "Deleterious"; PolyPhen-2: "Benign"; Align-GVGD: "Class C65"). This variant has not been reported in the literature in individuals affected with RFX6-related conditions. This variant is not present in population databases (gnomAD no frequency). This sequence change replaces asparagine, which is neutral and polar, with lysine, which is basic and polar, at codon 577 of the RFX6 protein (p.Asn577Lys).

NM_173560.4(RFX6):c.1731C>A (p.Asn577Lys)

Genes: RFX6 (regulatory factor X6; plus strand), LOC126859771 (BRD4-independent group 4 enhancer GRCh37_chr6:117246147-117247346; plus strand). Cytogenetic location: 6q22.1.
Variant type: single nucleotide variant.
Coding change: c.1731C>A on transcript NM_173560.4 (MANE Select); coding-DNA position 1731, C replaced by A.
Protein change: p.Asn577Lys; replaces asparagine 577 with lysine.
Molecular consequence: missense variant.
Genome position (GRCh38, 1-based): chr6:116,925,505, C>A. VCF-style: chr6-116925505-C-A. GRCh37 (hg19) VCF-style: chr6-117246668-C-A.
Other names: short protein forms N577K.
Identifiers: ClinVar variation 2005079 (VCV002005079.4), dbSNP rs894476532, ClinGen allele CA365434656.
Genomic context (GRCh38, chr6:116,925,505, plus strand): 5'-CTTTCCAGATGCGAGTAAAGCTGCTTTCACTGCTTCTCCGAGTTCATGCTTTCTGGCCAA[C>A]CGTAATAAAGGGAGCATGGTTTCCAGCGACGCTGTGAAGAATGAAAGCCACGTGGAGACA-3'
Protein context (NP_775831.2, residues 567-587): TASPSSCFLA[Asn577Lys]RNKGSMVSSD